The following is an entry in ClinVar:

NM_000520.6(HEXA):c.818T>C (p.Leu273Ser)

Gene: HEXA (hexosaminidase subunit alpha; minus strand). Cytogenetic location: 15q23.
Variant type: single nucleotide variant.
Coding change: c.818T>C on transcript NM_000520.6 (MANE Select); coding-DNA position 818, T replaced by C.
Protein change: p.Leu273Ser; replaces leucine 273 with serine.
Molecular consequence: missense variant. On other transcripts: non-coding transcript variant (1).
Genome position (GRCh38, 1-based): chr15:72,349,247, A>G on the plus strand (T>C on the coding strand, the complement: HEXA is on the minus strand). VCF-style: chr15-72349247-A-G. GRCh37 (hg19) VCF-style: chr15-72641588-A-G.
Other names: c.851T>C, p.Leu284Ser (NM_001318825.2); short protein forms L273S, L284S.
Identifiers: ClinVar variation 1384917 (VCV001384917.6), dbSNP rs2088664026, ClinGen allele CA393062714.

ClinVar aggregate classification (germline): Uncertain significance (1 of 4 stars; one submission).

Conditions:
Tay-Sachs disease (TSD). Also called: HEXA DEFICIENCY; GM2 gangliosidosis, type 1; Hexosaminidase alpha-subunit deficiency (variant B); Sphingolipidosis, Tay-Sachs; Hexosaminidase A Deficiency; HEXA Disorders. Identifiers: Orphanet 845, MedGen C0039373, MONDO:0010100, OMIM 272800.

Submission:

Labcorp Genetics (formerly Invitae), Labcorp
Classification: Uncertain significance for Tay-Sachs disease. Last evaluated: 2022-06-27. Review status: criteria provided, single submitter. Criteria: Invitae Variant Classification Sherloc (09022015). Collection method: clinical testing. Allele origin: germline.
Comment: This sequence change replaces leucine, which is neutral and non-polar, with serine, which is neutral and polar, at codon 273 of the HEXA protein (p.Leu273Ser). In summary, the available evidence is currently insufficient to determine the role of this variant in disease. Therefore, it has been classified as a Variant of Uncertain Significance. Algorithms developed to predict the effect of missense changes on protein structure and function are either unavailable or do not agree on the potential impact of this missense change (SIFT: "Deleterious"; PolyPhen-2: "Probably Damaging"; Align-GVGD: "Class C0"). This variant has not been reported in the literature in individuals affected with HEXA-related conditions. This variant is not present in population databases (gnomAD no frequency).